The following is an entry in ClinVar:

NM_024996.7(GFM1):c.700C>T (p.Arg234Ter)

Gene: GFM1 (G elongation factor mitochondrial 1; plus strand). Cytogenetic location: 3q25.32.
Variant type: single nucleotide variant.
Coding change: c.700C>T on transcript NM_024996.7 (MANE Select); coding-DNA position 700, C replaced by T.
Protein change: p.Arg234Ter; replaces arginine 234 with a stop codon.
Molecular consequence: nonsense. On other transcripts: non-coding transcript variant (4).
Genome position (GRCh38, 1-based): chr3:158,652,106, C>T. VCF-style: chr3-158652106-C-T. GRCh37 (hg19) VCF-style: chr3-158369895-C-T.
Other names: p.R234*:CGA>TGA; c.757C>T, p.Arg253Ter (NM_001308164.2, NM_001374355.1); c.700C>T, p.Arg234Ter (NM_001308166.2); c.583C>T, p.Arg195Ter (NM_001374356.1); c.475C>T, p.Arg159Ter (NM_001374357.1); c.241C>T, p.Arg81Ter (NM_001374358.1); c.133C>T, p.Arg45Ter (NM_001374359.1, NM_001374360.1); c.16C>T, p.Arg6Ter (NM_001374361.1); short protein forms R234*, R253*, R159*, R195*, R45*, R6*, R81*.
Identifiers: ClinVar variation 214495 (VCV000214495.14), dbSNP rs863224032, ClinGen allele CA323089.
Genomic context (GRCh38, chr3:158,652,106, plus strand): 5'-CATATATTAAGTTGAATATCCTTAAAGCACCAAAATATTTGCTTTCTTAGTCAGATTGTT[C>T]GATATGGTGAGATTCCAGCTGAATTAAGGGCGGCGGCCACTGACCACCGGCAGGAGCTAA-3'

ClinVar aggregate classification (germline): Pathogenic/Likely pathogenic. Review status: criteria provided, multiple submitters, no conflicts (2 of 4 stars). 4 submissions from 4 submitters: Pathogenic (3); Likely pathogenic (1). Last evaluated 2024-06-24.

Conditions:
Hepatoencephalopathy due to combined oxidative phosphorylation defect type 1. Also called: HEPATOENCEPHALOPATHY, EARLY FATAL PROGRESSIVE. Identifiers: Orphanet 137681, MedGen C1836797, MONDO:0012191, OMIM 609060.

Allele frequency attached by ClinVar (database versions not stated): gnomAD exomes below 0.00001 and 0.00001; gnomAD 0.00001; TOPMed 0.00001.
gnomAD v4.1: 17 of 1,613,682 alleles (0.0011%); highest among the groups gnomAD compares: African/African-American, 0.0013%; no homozygotes.

Submissions (4):

Natera, Inc.
Classification: Likely pathogenic for Combined oxidative phosphorylation deficiency 1. Last evaluated: 2024-06-24. Review status: criteria provided, single submitter. Criteria: Natera Variant Classification Schema (03/2026). Collection method: clinical testing. Allele origin: germline.
Comment: The c.700C>T variant in GFM1 is a nonsense variant predicted to introduce a stop codon at amino acid 234. This variant is expected to result in nonsense mediated decay, truncation, or a dysfunctional protein product. This variant is rare in the general population with a frequency below the threshold expected for the associated phenotype(s). Given the available evidence, this variant is classified as Likely Pathogenic.

Labcorp Genetics (formerly Invitae), Labcorp
Classification: Pathogenic. Last evaluated: 2024-03-01. Review status: criteria provided, single submitter. Criteria: Invitae Variant Classification Sherloc (09022015). Collection method: clinical testing. Allele origin: germline.
Comment: This sequence change creates a premature translational stop signal (p.Arg234*) in the GFM1 gene. It is expected to result in an absent or disrupted protein product. Loss-of-function variants in GFM1 are known to be pathogenic (PMID: 16632485, 17160893). This variant is present in population databases (no rsID available, gnomAD 0.004%). This variant has not been reported in the literature in individuals affected with GFM1-related conditions. ClinVar contains an entry for this variant (Variation ID: 214495). For these reasons, this variant has been classified as Pathogenic.

Institute of Human Genetics Munich, TUM University Hospital
Classification: Pathogenic for Hepatoencephalopathy due to combined oxidative phosphorylation defect type 1. Last evaluated: 2018-03-02. Review status: criteria provided, single submitter. Criteria: Classification criteria August 2017. Collection method: clinical testing. Allele origin: germline. Inheritance: Autosomal recessive inheritance. Affected: yes. Observed: 1 compound heterozygote.

GeneDx
Classification: Pathogenic. Last evaluated: 2014-05-02. Review status: criteria provided, single submitter. Criteria: GeneDx Variant Classification (06012015). Collection method: clinical testing. Allele origin: germline. Affected: yes.
Comment: p.Arg234Stop (CGA>TGA): c.700 C>T in exon 6 of the GFM1 gene (NM_024996.5). The R234X nonsense mutation in the GFM1 gene is predicted to cause loss of normal protein function either through protein truncation or nonsense-mediated mRNA decay. Although this mutation has not been reported previously to our knowledge, it is expected to be a pathogenic mutation. The variant is found in MITONUC-MITOP panel(s).

Literature cited by the submitters: PubMed 16632485 (cited by Labcorp Genetics (formerly Invitae), Labcorp); PubMed 17160893 (cited by Labcorp Genetics (formerly Invitae), Labcorp).